The following is an entry in ClinVar:

ClinVar aggregate classification (germline): Benign (1 of 4 stars; one submission).

Allele frequency attached by ClinVar (database versions not stated): gnomAD 0.20468 and 0.20577; TOPMed 0.20925; 1000 Genomes Project 0.25020; 1000 Genomes Project 30x 0.25609.
gnomAD v4.1: 31,032 of 152,128 alleles (20%); highest among the groups gnomAD compares: African/African-American, 35%; 3,817 homozygotes.

Submission:

GeneDx
Classification: Benign. Last evaluated: 2018-06-19. Review status: criteria provided, single submitter. Criteria: GeneDx Variant Classification (06012015). Collection method: clinical testing. Allele origin: germline. Affected: yes.
Comment: This variant is considered likely benign or benign based on one or more of the following criteria: it is a conservative change, it occurs at a poorly conserved position in the protein, it is predicted to be benign by multiple in silico algorithms, and/or has population frequency not consistent with disease.

NM_005045.4(RELN):c.9370-198T>A

Genes: RELN (reelin; minus strand), SLC26A5-AS1 (SLC26A5 antisense RNA 1; plus strand). Cytogenetic location: 7q22.1.
Variant type: single nucleotide variant.
Coding change: c.9370-198T>A on transcript NM_005045.4 (MANE Select); 198 bases into the intron before coding-DNA position 9370, T replaced by A.
Molecular consequence: intron variant.
Genome position (GRCh38, 1-based): chr7:103,492,224, A>T on the plus strand (T>A on the coding strand, the complement: RELN is on the minus strand). VCF-style: chr7-103492224-A-T. GRCh37 (hg19) VCF-style: chr7-103132671-A-T.
Other names: c.9370-198T>A (NM_173054.3).
Identifiers: ClinVar variation 669139 (VCV000669139.1), dbSNP rs7797700, ClinGen allele CA163906180.